The following is an entry in ClinVar:

NM_006767.4(LZTR1):c.2103C>T (p.Pro701=)

Gene: LZTR1 (leucine zipper like post translational regulator 1; plus strand). Cytogenetic location: 22q11.21.
Variant type: single nucleotide variant.
Coding change: c.2103C>T on transcript NM_006767.4 (MANE Select); coding-DNA position 2103, C replaced by T.
Protein change: p.Pro701=; no amino-acid change (proline 701 retained).
Molecular consequence: synonymous variant.
Genome position (GRCh38, 1-based): chr22:20,995,996, C>T. VCF-style: chr22-20995996-C-T. GRCh37 (hg19) VCF-style: chr22-21350285-C-T.
Identifiers: ClinVar variation 512518 (VCV000512518.46), dbSNP rs139080986, ClinGen allele CA10119246.

ClinVar aggregate classification (germline): Benign/Likely benign. Review status: criteria provided, multiple submitters, no conflicts (2 of 4 stars). 9 submissions from 9 submitters: Benign (4); Likely benign (5). Last evaluated 2026-02-03.

Conditions:
Hereditary cancer-predisposing syndrome. Also called: Neoplastic Syndromes, Hereditary; Hereditary Cancer Syndrome; Tumor predisposition; Hereditary neoplastic syndrome. Identifiers: Orphanet 140162, MedGen C0027672, MeSH D009386, MONDO:0015356.
Cardiovascular phenotype. Identifiers: MedGen CN230736.
Noonan syndrome and Noonan-related syndrome. Identifiers: Orphanet 98733, MedGen C5681679, MONDO:0020297.

Allele frequency attached by ClinVar (database versions not stated): 1000 Genomes Project 0.00280; ESP Exome Variant Server 0.00361; TOPMed 0.00363; 1000 Genomes Project 30x 0.00375.
gnomAD v4.1: 1,052 of 1,613,716 alleles (0.065%); highest among the groups gnomAD compares: African/African-American, 1.3%; 6 homozygotes.

Submissions (9):

Labcorp Genetics (formerly Invitae), Labcorp
Classification: Benign. Last evaluated: 2026-02-03. Review status: criteria provided, single submitter. Criteria: Invitae Variant Classification Sherloc (09022015). Collection method: clinical testing. Allele origin: germline.

CeGaT Center for Human Genetics Tuebingen
Classification: Likely benign. Last evaluated: 2025-11-01. Review status: criteria provided, single submitter. Criteria: CeGaT Center For Human Genetics Tuebingen Variant Classification Criteria Version 2. Collection method: clinical testing. Allele origin: germline. Affected: yes. Observed: 7 variant alleles.
Comment: LZTR1: BP4, BP7, BS1

ARUP Laboratories, Molecular Genetics and Genomics, ARUP Laboratories
Classification: Benign. Last evaluated: 2024-12-26. Review status: criteria provided, single submitter. Criteria: ARUP Molecular Germline Variant Investigation Process 2024. Collection method: clinical testing. Allele origin: germline.

Blueprint Genetics
Classification: Likely benign. Last evaluated: 2024-11-27. Review status: criteria provided, single submitter. Criteria: ACMG Guidelines, 2015. Collection method: clinical testing. Allele origin: germline.

Genome Diagnostics Laboratory, The Hospital for Sick Children
Classification: Likely benign for Noonan syndrome and Noonan-related syndrome. Last evaluated: 2020-06-10. Review status: criteria provided, single submitter. Criteria: ACMG Guidelines, 2015. Collection method: clinical testing. Allele origin: germline.

Women's Health and Genetics/Laboratory Corporation of America, LabCorp
Classification: Benign. Last evaluated: 2019-11-16. Review status: criteria provided, single submitter. Criteria: LabCorp Variant Classification Summary - May 2015. Collection method: clinical testing. Allele origin: germline.

GeneDx
Classification: Benign. Last evaluated: 2019-08-22. Review status: criteria provided, single submitter. Criteria: GeneDx Variant Classification Process June 2021. Collection method: clinical testing. Allele origin: germline. Affected: yes.

Ambry Genetics
Classification: Likely benign for Cardiovascular phenotype; Hereditary cancer-predisposing syndrome. Last evaluated: 2019-02-01. Review status: criteria provided, single submitter. Criteria: Ambry Variant Classification Scheme 2023. Collection method: clinical testing. Allele origin: germline.

Breakthrough Genomics
Classification: Likely benign. Review status: criteria provided, single submitter. Criteria: ACMG Guidelines, 2015. Collection method: not provided. Allele origin: germline. Inheritance: Autosomal recessive inheritance. Affected: yes.